The following is an entry in ClinVar:

ClinVar aggregate classification (germline): Benign/Likely benign. Review status: criteria provided, multiple submitters, no conflicts (2 of 4 stars). 3 submissions from 3 submitters: Benign (2); Likely benign (1). Last evaluated 2026-01-19.

Conditions:
Holoprosencephaly 11 (HPE11). Identifiers: Orphanet 2162, MedGen C3280215, MONDO:0013642, OMIM 614226.

Allele frequency attached by ClinVar (database versions not stated): gnomAD exomes 0.00023 and 0.00065; ExAC 0.00073; ESP Exome Variant Server 0.00208; gnomAD 0.00241 and 0.00262; 1000 Genomes Project 0.00260; TOPMed 0.00296; 1000 Genomes Project 30x 0.00297.
gnomAD v4.1: 723 of 1,613,932 alleles (0.045%); highest among the groups gnomAD compares: African/African-American, 0.8%; 4 homozygotes.

Submissions (3):

Labcorp Genetics (formerly Invitae), Labcorp
Classification: Benign for Holoprosencephaly 11. Last evaluated: 2026-01-19. Review status: criteria provided, single submitter. Criteria: Invitae Variant Classification Sherloc (09022015). Collection method: clinical testing. Allele origin: germline.

CeGaT Center for Human Genetics Tuebingen
Classification: Likely benign. Last evaluated: 2025-08-01. Review status: criteria provided, single submitter. Criteria: CeGaT Center For Human Genetics Tuebingen Variant Classification Criteria Version 2. Collection method: clinical testing. Allele origin: germline. Affected: yes. Observed: 1 variant allele.
Comment: CDON: BP4, BP7

Illumina Laboratory Services, Illumina
Classification: Benign for Holoprosencephaly 11. Last evaluated: 2018-01-13. Review status: criteria provided, single submitter. Criteria: ICSL Variant Classification Criteria 13 December 2019. Collection method: clinical testing. Allele origin: germline.
Comment: This variant was observed in the ICSL laboratory as part of a predisposition screen in an ostensibly healthy population. It had not been previously curated by ICSL or reported in the Human Gene Mutation Database (HGMD: prior to June 1st, 2018), and was therefore a candidate for classification through an automated scoring system. Utilizing variant allele frequency, disease prevalence and penetrance estimates, and inheritance mode, an automated score was calculated to assess if this variant is too frequent to cause the disease. Based on the score and internal cut-off values, a variant classified as benign is not then subjected to further curation. The score for this variant resulted in a classification of benign for this disease.

NM_001378964.1(CDON):c.1818G>T (p.Leu606=)

Gene: CDON (cell adhesion associated, oncogene regulated; minus strand). Cytogenetic location: 11q24.2.
Variant type: single nucleotide variant.
Coding change: c.1818G>T on transcript NM_001378964.1 (MANE Select); coding-DNA position 1818, G replaced by T.
Protein change: p.Leu606=; no amino-acid change (leucine 606 retained).
Molecular consequence: synonymous variant.
Genome position (GRCh38, 1-based): chr11:126,005,792, C>A on the plus strand (G>T on the coding strand, the complement: CDON is on the minus strand). VCF-style: chr11-126005792-C-A. GRCh37 (hg19) VCF-style: chr11-125875687-C-A.
Other names: c.1818G>T, p.Leu606= (NM_016952.6, NM_001243597.3).
Identifiers: ClinVar variation 303512 (VCV000303512.21), dbSNP rs147925363, ClinGen allele CA6351941.